The following is an entry in ClinVar:

NM_002519.3(NPAT):c.3344T>C (p.Ile1115Thr)

Gene: NPAT (nuclear protein, coactivator of histone transcription; minus strand). Cytogenetic location: 11q22.3.
Variant type: single nucleotide variant.
Coding change: c.3344T>C on transcript NM_002519.3 (MANE Select); coding-DNA position 3344, T replaced by C.
Protein change: p.Ile1115Thr; replaces isoleucine 1115 with threonine.
Molecular consequence: missense variant.
Genome position (GRCh38, 1-based): chr11:108,161,742, A>G on the plus strand (T>C on the coding strand, the complement: NPAT is on the minus strand). VCF-style: chr11-108161742-A-G. GRCh37 (hg19) VCF-style: chr11-108032469-A-G.
Other names: c.3365T>C, p.Ile1122Thr (NM_001321307.1); short protein forms I1122T, I1115T.
Identifiers: ClinVar variation 1730450 (VCV001730450.2), dbSNP rs2496696419, ClinGen allele CA382511017.
Genomic context (GRCh38, chr11:108,161,742, plus strand): 5'-ATGGCACTTTCCGATTTAGATAAAATCTTAGGCAGAGGAGGCTTCTCTTTCTCTCTTTTG[A>G]TAGCATTATTAGAAGGGGGTTTTAAGGTGGAGGACACATTGGGTGAGTCAAGATTAGGAA-3'
Protein context (NP_002510.2, residues 1105-1125): STLKPPSNNA[Ile1115Thr]KREKEKPPLP

ClinVar aggregate classification (germline): Uncertain significance (1 of 4 stars; one submission).

Allele frequency attached by ClinVar (database versions not stated): gnomAD exomes 0.00001.
gnomAD v4.1: 10 of 1,613,690 alleles (0.00062%); highest among the groups gnomAD compares: Non-Finnish European, 0.00076%; no homozygotes.

Submission:

Ambry Genetics
Classification: Uncertain significance. Last evaluated: 2022-02-18. Review status: criteria provided, single submitter. Criteria: Ambry Variant Classification Scheme 2023. Collection method: clinical testing. Allele origin: germline.
Comment: The p.I1115T variant (also known as c.3344T>C), located in coding exon 17 of the NPAT gene, results from a T to C substitution at nucleotide position 3344. The isoleucine at codon 1115 is replaced by threonine, an amino acid with similar properties. This amino acid position is conserved. In addition, this alteration is predicted to be tolerated by in silico analysis. Since supporting evidence is limited at this time, the clinical significance of this alteration remains unclear.